The following is an entry in ClinVar:

NM_014390.4(SND1):c.977G>A (p.Trp326Ter)

Gene: SND1 (staphylococcal nuclease and tudor domain containing 1; plus strand). Cytogenetic location: 7q32.1.
Variant type: single nucleotide variant.
Coding change: c.977G>A on transcript NM_014390.4 (MANE Select); coding-DNA position 977, G replaced by A.
Protein change: p.Trp326Ter; replaces tryptophan 326 with a stop codon.
Molecular consequence: nonsense.
Genome position (GRCh38, 1-based): chr7:127,707,586, G>A. VCF-style: chr7-127707586-G-A. GRCh37 (hg19) VCF-style: chr7-127347640-G-A.
Other names: short protein forms W326*.
Identifiers: ClinVar variation 2572209 (VCV002572209.1), dbSNP rs1796222917, ClinGen allele CA369435497.

ClinVar aggregate classification (germline): Uncertain significance (1 of 4 stars; one submission).

Submission:

Greenwood Genetic Center Diagnostic Laboratories, Greenwood Genetic Center
Classification: Uncertain significance. Last evaluated: 2023-05-10. Review status: criteria provided, single submitter. Criteria: ACMG Guidelines, 2015. Collection method: clinical testing. Allele origin: germline. Affected: yes.
Comment: Gene of Uncertain Significance